The following is an entry in ClinVar:

NM_014727.3(KMT2B):c.2000C>T (p.Thr667Ile)

Gene: KMT2B (lysine methyltransferase 2B; plus strand). Cytogenetic location: 19q13.12.
Variant type: single nucleotide variant.
Coding change: c.2000C>T on transcript NM_014727.3 (MANE Select); coding-DNA position 2000, C replaced by T.
Protein change: p.Thr667Ile; replaces threonine 667 with isoleucine.
Molecular consequence: missense variant.
Genome position (GRCh38, 1-based): chr19:35,721,347, C>T. VCF-style: chr19-35721347-C-T. GRCh37 (hg19) VCF-style: chr19-36212249-C-T.
Other names: short protein forms T667I.
Identifiers: ClinVar variation 5018348 (VCV005018348.1).
Genomic context (GRCh38, chr19:35,721,347, plus strand): 5'-TTCGGGCCCCTCAGTTTACCCCAAGCGAAGCCCACCTGAAGATCTACGAATCGGTGCTTA[C>T]TCCTCCTCCTCTTGGGGCTCCTGAAGCCCCTGAGCCAGAGCCTCCTCCTGCCGATGACTC-3'
Protein context (NP_055542.1, residues 657-677): AHLKIYESVL[Thr667Ile]PPPLGAPEAP

ClinVar aggregate classification (germline): Uncertain significance (1 of 4 stars; one submission).

Submission:

GeneDx
Classification: Uncertain significance. Last evaluated: 2026-04-08. Review status: criteria provided, single submitter. Criteria: GeneDx Variant Classification Process June 2021. Collection method: clinical testing. Allele origin: germline.
Comment: Not observed at significant frequency in large population cohorts (gnomAD); In silico analysis suggests that this missense variant does not alter protein structure/function; Has not been previously published as pathogenic or benign to our knowledge